The following is an entry in ClinVar:

ClinVar aggregate classification (germline): Likely pathogenic (1 of 4 stars; one submission).

Conditions:
Dilated cardiomyopathy 1G (CMD1G). Identifiers: Orphanet 154, MedGen C1858763, MONDO:0011400, OMIM 604145.
Autosomal recessive limb-girdle muscular dystrophy type 2J (LGMDR10). Also called: Limb-girdle muscular dystrophy, type 2J; MUSCULAR DYSTROPHY, LIMB-GIRDLE, AUTOSOMAL RECESSIVE 10. Identifiers: Orphanet 140922, MedGen C1837342, MONDO:0012127, OMIM 608807.

Submission:

Labcorp Genetics (formerly Invitae), Labcorp
Classification: Likely pathogenic for Dilated cardiomyopathy 1G; Autosomal recessive limb-girdle muscular dystrophy type 2J. Last evaluated: 2024-05-15. Review status: criteria provided, single submitter. Criteria: Invitae Variant Classification Sherloc (09022015). Collection method: clinical testing. Allele origin: germline.
Comment: This sequence change creates a premature translational stop signal (p.Thr27634Serfs*5) in the TTN gene. While this is not anticipated to result in nonsense mediated decay, it is expected to create a truncated TTN protein. This variant is not present in population databases (gnomAD no frequency). This premature translational stop signal has been observed in individual(s) with peripartum cardiomyopathy (Invitae). This variant is located in the A band of TTN (PMID: 25589632). Truncating variants in this region are significantly overrepresented in patients affected with dilated cardiomyopathy (PMID: 25589632). Truncating variants in this region have also been reported in individuals affected with autosomal recessive centronuclear myopathy (PMID: 23975875). In summary, the currently available evidence indicates that the variant is pathogenic, but additional data are needed to prove that conclusively. Therefore, this variant has been classified as Likely Pathogenic.

Literature cited by the submitters: PubMed 25589632; PubMed 23975875.

NM_001267550.2(TTN):c.82901_83012del (p.Thr27634fs)

Genes: TTN (titin; minus strand), TTN-AS1 (TTN antisense RNA 1; plus strand). Cytogenetic location: 2q31.2.
Variant type: Deletion.
Coding change: c.82901_83012del on transcript NM_001267550.2 (MANE Select); coding-DNA positions 82901 to 83012, 112 bases deleted.
Protein change: p.Thr27634fs; shifts the reading frame from threonine 27634.
Molecular consequence: frameshift variant.
Genome position (GRCh38, 1-based): chr2:178,563,120-178,563,231, 112 bases deleted. GRCh37 (hg19): chr2:179,427,849-179,427,960.
Other names: c.77978_78089del, p.Thr25993fs (NM_001256850.1); c.55706_55817del, p.Thr18569fs (NM_003319.4); c.75197_75308del, p.Thr25066fs (NM_133378.4); c.56081_56192del, p.Thr18694fs (NM_133432.3); c.56282_56393del, p.Thr18761fs (NM_133437.4); short protein forms T18569fs, T18694fs, T18761fs, T25066fs, T25993fs, T27634fs.
Identifiers: ClinVar variation 3756373 (VCV003756373.2).